The following is an entry in ClinVar:

NM_001040113.2(MYH11):c.634C>G (p.Gln212Glu)

Gene: MYH11 (myosin heavy chain 11; minus strand). Cytogenetic location: 16p13.11.
Variant type: single nucleotide variant.
Coding change: c.634C>G on transcript NM_001040113.2 (MANE Plus Clinical); coding-DNA position 634, C replaced by G.
Protein change: p.Gln212Glu; replaces glutamine 212 with glutamic acid.
Molecular consequence: missense variant. On other transcripts: intron variant (2).
Genome position (GRCh38, 1-based): chr16:15,784,718, G>C on the plus strand (C>G on the coding strand, the complement: MYH11 is on the minus strand). VCF-style: chr16-15784718-G-C. GRCh37 (hg19) VCF-style: chr16-15878575-G-C.
Other names: c.634C>G, p.Gln212Glu (NM_001040114.2); c.633+1912C>G (NM_002474.3, NM_022844.3); short protein forms Q212E.
Identifiers: ClinVar variation 2103139 (VCV002103139.4), dbSNP rs1369468374, ClinGen allele CA394872488.
Genomic context (GRCh38, chr16:15,784,718, plus strand): 5'-GCCTCCCCTACACACCAGGAAAACACTCTCAGTTACTCACGTAGGCAAAAGATGGGCCTT[G>C]CTGTGGTTGAACAACACAGTATAAAACAAATGTCAGCGTTATTTCCATCACATGGACATC-3'
Protein context (NP_001035202.1, residues 202-222): HKGKKDTSIT[Gln212Glu]GPSFAYGELE

ClinVar aggregate classification (germline): Uncertain significance (1 of 4 stars; one submission).

Conditions:
Aortic aneurysm, familial thoracic 4 (AAT4). Also called: AORTIC ANEURYSM/AORTIC DISSECTION AND PATENT DUCTUS ARTERIOSUS. Identifiers: MedGen C1851504, MONDO:0007568, OMIM 132900.

Allele frequency attached by ClinVar (database versions not stated): gnomAD exomes below 0.00001.
gnomAD v4.1: 1 of 1,613,926 alleles (0.000062%); no homozygotes.

Submission:

Labcorp Genetics (formerly Invitae), Labcorp
Classification: Uncertain significance for Aortic aneurysm, familial thoracic 4. Last evaluated: 2022-02-24. Review status: criteria provided, single submitter. Criteria: Invitae Variant Classification Sherloc (09022015). Collection method: clinical testing. Allele origin: germline.
Comment: Algorithms developed to predict the effect of missense changes on protein structure and function are either unavailable or do not agree on the potential impact of this missense change (SIFT: "Deleterious"; PolyPhen-2: "Benign"; Align-GVGD: "Class C0"). In summary, the available evidence is currently insufficient to determine the role of this variant in disease. Therefore, it has been classified as a Variant of Uncertain Significance. Algorithms developed to predict the effect of sequence changes on RNA splicing suggest that this variant may create or strengthen a splice site. This variant has not been reported in the literature in individuals affected with MYH11-related conditions. This variant is present in population databases (no rsID available, gnomAD 0.004%). This sequence change replaces glutamine, which is neutral and polar, with glutamic acid, which is acidic and polar, at codon 212 of the MYH11 protein (p.Gln212Glu).